The following is an entry in ClinVar:

NM_001032283.3(TMPO):c.407-96G>C

Gene: TMPO (thymopoietin; plus strand). Cytogenetic location: 12q23.1.
Variant type: single nucleotide variant.
Coding change: c.407-96G>C on transcript NM_001032283.3 (MANE Select); 96 bases into the intron before coding-DNA position 407, G replaced by C.
Molecular consequence: intron variant.
Genome position (GRCh38, 1-based): chr12:98,531,584, G>C. VCF-style: chr12-98531584-G-C. GRCh37 (hg19) VCF-style: chr12-98925362-G-C.
Other names: c.407-96G>C (NM_003276.2, NM_001307975.2, NM_001032284.3).
Identifiers: ClinVar variation 674686 (VCV000674686.2), dbSNP rs17028432, ClinGen allele CA242223552.
Genomic context (GRCh38, chr12:98,531,584, plus strand): 5'-TATGTCTGGCCGCATTATATGGTATTTTTTTTTTTAAGAACTTGAGTTTAGAAAAATAAA[G>C]GGTGAAAATAGCTTAAAATGTTGCTGAAGATAGTGTCTGAGCTGCATCCTAAATGAAACA-3'

ClinVar aggregate classification (germline): Benign. Review status: criteria provided, multiple submitters, no conflicts (2 of 4 stars). 2 submissions from 2 submitters: Benign (2). Last evaluated 2018-06-14.

Allele frequency attached by ClinVar (database versions not stated): 1000 Genomes Project 30x 0.01593; 1000 Genomes Project 0.01697; TOPMed 0.02226; gnomAD 0.02724 and 0.02747.
gnomAD v4.1: 40,616 of 1,287,258 alleles (3.2%); highest among the groups gnomAD compares: Admixed American, 4.6%; 882 homozygotes.

Submissions (2):

GeneDx
Classification: Benign. Last evaluated: 2018-06-14. Review status: criteria provided, single submitter. Criteria: GeneDx Variant Classification (06012015). Collection method: clinical testing. Allele origin: germline. Affected: yes.
Comment: This variant is considered likely benign or benign based on one or more of the following criteria: it is a conservative change, it occurs at a poorly conserved position in the protein, it is predicted to be benign by multiple in silico algorithms, and/or has population frequency not consistent with disease.

Breakthrough Genomics
Classification: Benign. Review status: criteria provided, single submitter. Criteria: ACMG Guidelines, 2015. Collection method: not provided. Allele origin: germline. Inheritance: Unknown mechanism. Affected: yes.